The following is an entry in ClinVar:

NM_014698.3(TMEM63A):c.1628G>T (p.Arg543Met)

Gene: TMEM63A (transmembrane protein 63A; minus strand). Cytogenetic location: 1q42.12.
Variant type: single nucleotide variant.
Coding change: c.1628G>T on transcript NM_014698.3 (MANE Select); coding-DNA position 1628, G replaced by T.
Protein change: p.Arg543Met; replaces arginine 543 with methionine.
Molecular consequence: missense variant.
Genome position (GRCh38, 1-based): chr1:225,855,884, C>A on the plus strand (G>T on the coding strand, the complement: TMEM63A is on the minus strand). VCF-style: chr1-225855884-C-A. GRCh37 (hg19) VCF-style: chr1-226043585-C-A.
Other names: short protein forms R543M.
Identifiers: ClinVar variation 5020483 (VCV005020483.1).
Genomic context (GRCh38, chr1:225,855,884, plus strand): 5'-TGTGGGACTTTCACCCAGGGCCATGGCTCCAGAACTCAACTTGGCAATACTCACTCCAAC[C>A]TGATGGAGGCCTCCGAGGAAGTTTTGTCAAAGAGCCACCGGAAGAAAAAATCTAGACTGA-3'
Protein context (NP_055513.2, residues 533-553): FDKTSSEASI[Arg543Met]LECVFLPDQG

ClinVar aggregate classification (germline): Uncertain significance (1 of 4 stars; one submission).

Submission:

Dasa
Classification: Uncertain significance. Last evaluated: 2026-05-26. Review status: criteria provided, single submitter. Criteria: DASA Assertion Criteria. Collection method: clinical testing. Allele origin: germline.
Comment: NM_014698.3(TMEM63A):c.1628G>T (p.Arg543Met) is a missense variant that results in the substitution of arginine with methionine. The affected residue or protein region has prior evidence supporting clinical relevance. This variant is rare in population databases. The currently available literature and clinical evidence are not sufficient to establish a definitive association between this variant and the reported condition. Therefore, this variant is classified as a variant of uncertain significance.